The following is an entry in ClinVar:

NM_001323289.2(CDKL5):c.507dup (p.Glu170fs)

Gene: CDKL5 (cyclin dependent kinase like 5; plus strand). Cytogenetic location: Xp22.13.
Variant type: Duplication.
Coding change: c.507dup on transcript NM_001323289.2 (MANE Select); coding-DNA position 507, one base duplicated (A; older notation c.507dupA).
Protein change: p.Glu170fs; shifts the reading frame from glutamic acid 170.
Molecular consequence: frameshift variant.
Genome position (GRCh38, 1-based): chrX:18,584,306, A duplicated. VCF-style (leftmost placement, unchanged base first): chrX-18584305-C-CA. GRCh37 (hg19) VCF-style: chrX-18602425-C-CA.
Other names: c.507dup, p.Glu170fs (NM_001037343.2, NM_003159.3); short protein forms E170fs.
Identifiers: ClinVar variation 2444106 (VCV002444106.2), dbSNP rs2518853508, ClinGen allele CA2580100395.

ClinVar aggregate classification (germline): Likely pathogenic. Review status: criteria provided, multiple submitters, no conflicts (2 of 4 stars). 2 submissions from 2 submitters: Likely pathogenic (2). Last evaluated 2024-11-26.

Conditions:
Developmental and epileptic encephalopathy, 2 (DEE2). Also called: INFANTILE SPASM SYNDROME, X-LINKED 2; CDKL5 deficiency disorder. Identifiers: Orphanet 1934, Orphanet 3451, Orphanet 505652, MedGen C4750718, MONDO:0010396, OMIM 300672.
CDKL5-related disorder.

Submissions (2):

Blueprint Genetics
Classification: Likely pathogenic for CDKL5-related disorders. Last evaluated: 2024-11-26. Review status: criteria provided, single submitter. Criteria: ACMG Guidelines, 2015. Collection method: clinical testing. Allele origin: germline. Affected: yes. Observed: 1 variant allele.

3billion
Classification: Likely pathogenic for Developmental and epileptic encephalopathy, 2. Last evaluated: 2023-02-23. Review status: criteria provided, single submitter. Criteria: ACMG Guidelines, 2015. Collection method: clinical testing. Allele origin: unknown. Affected: yes.
Comment: The variant is not observed in the gnomAD v2.1.1 dataset. This variant was predicted to result in a loss or disruption of normal protein function through nonsense-mediated decay (NMD) or protein truncation. Multiple pathogenic variants are reported downstream of the variant. Therefore, this variant is classified as Likely pathogenic according to the recommendation of ACMG/AMP guideline.